The following is an entry in ClinVar:

NM_005006.7(NDUFS1):c.1A>G (p.Met1Val)

Gene: NDUFS1 (NADH:ubiquinone oxidoreductase core subunit S1; minus strand). Cytogenetic location: 2q33.3.
Variant type: single nucleotide variant.
Coding change: c.1A>G on transcript NM_005006.7 (MANE Select); coding-DNA position 1, A replaced by G.
Protein change: p.Met1Val; changes the start codon (methionine 1).
Molecular consequence: missense variant, initiator codon variant. On other transcripts: 5 prime UTR variant (2).
Genome position (GRCh38, 1-based): chr2:206,153,678, T>C on the plus strand (A>G on the coding strand, the complement: NDUFS1 is on the minus strand). VCF-style: chr2-206153678-T-C. GRCh37 (hg19) VCF-style: chr2-207018402-T-C.
Other names: c.1A>G, p.Met1Val (NM_001199981.2); c.-56A>G (NM_001199982.2); c.-79A>G (NM_001199983.2); c.43A>G, p.Met15Val (NM_001199984.2); short protein forms M15V, M1V.
Identifiers: ClinVar variation 1480034 (VCV001480034.8), dbSNP rs1359444986, ClinGen allele CA350066702.

ClinVar aggregate classification (germline): Uncertain significance. Review status: criteria provided, multiple submitters, no conflicts (2 of 4 stars). 2 submissions from 2 submitters: Uncertain significance (2). Last evaluated 2023-11-10.

Conditions:
Mitochondrial complex I deficiency, nuclear type 5. Also called: Mitochondrial complex 1 deficiency, nuclear type 5. Identifiers: MedGen C4748754, MONDO:0032610, OMIM 618226.

Allele frequency attached by ClinVar (database versions not stated): TOPMed below 0.00001.

Submissions (2):

Laboratorio de Genetica e Diagnostico Molecular, Hospital Israelita Albert Einstein
Classification: Uncertain significance for Mitochondrial complex I deficiency, nuclear type 5. Last evaluated: 2023-11-10. Review status: criteria provided, single submitter. Criteria: ACMG Guidelines, 2015. Collection method: clinical testing. Allele origin: germline. Affected: yes.
Comment: ACMG classification criteria: PVS1 moderate, PS3 supporting, PM2 moderate

Labcorp Genetics (formerly Invitae), Labcorp
Classification: Uncertain significance. Last evaluated: 2021-12-02. Review status: criteria provided, single submitter. Criteria: Invitae Variant Classification Sherloc (09022015). Collection method: clinical testing. Allele origin: germline.
Comment: This sequence change affects the initiator methionine of the NDUFS1 mRNA. The next in-frame methionine is located at codon 42. This variant is not present in population databases (gnomAD no frequency). Disruption of the initiator codon has been observed in individual(s) with mitochondrial complex I deficiency (PMID: 21150889). Studies have shown that disruption of the initiator codon alters NDUFS1 gene expression (PMID: 21150889). In summary, the available evidence is currently insufficient to determine the role of this variant in disease. Therefore, it has been classified as a Variant of Uncertain Significance.

Literature cited by the submitters: PubMed 21150889 (cited by Labcorp Genetics (formerly Invitae), Labcorp).